The following is an entry in ClinVar:

ClinVar aggregate classification (germline): Uncertain significance (1 of 4 stars; one submission).

Allele frequency attached by ClinVar (database versions not stated): gnomAD exomes below 0.00001; TOPMed 0.00002; gnomAD 0.00003 and 0.00004.
gnomAD v4.1: 6 of 1,613,032 alleles (0.00037%); highest among the groups gnomAD compares: African/African-American, 0.0067%; no homozygotes.

Submission:

Labcorp Genetics (formerly Invitae), Labcorp
Classification: Uncertain significance. Last evaluated: 2022-02-03. Review status: criteria provided, single submitter. Criteria: Invitae Variant Classification Sherloc (09022015). Collection method: clinical testing. Allele origin: germline.
Comment: This variant is not present in population databases (gnomAD no frequency). This variant has not been reported in the literature in individuals affected with PRCD-related conditions. ClinVar contains an entry for this variant (Variation ID: 849356). Variants that disrupt the consensus splice site are a relatively common cause of aberrant splicing (PMID: 17576681, 9536098). Algorithms developed to predict the effect of sequence changes on RNA splicing suggest that this variant is not likely to affect RNA splicing. In summary, the available evidence is currently insufficient to determine the role of this variant in disease. Therefore, it has been classified as a Variant of Uncertain Significance. This sequence change falls in intron 2 of the PRCD gene. It does not directly change the encoded amino acid sequence of the PRCD protein. It affects a nucleotide within the consensus splice site.

Literature cited by the submitters: PubMed 17576681; PubMed 9536098.

NM_001077620.3(PRCD):c.143+3A>G

Genes: CYGB (cytoglobin; minus strand), PRCD (photoreceptor disc component; plus strand). Cytogenetic location: 17q25.1.
Variant type: single nucleotide variant.
Coding change: c.143+3A>G on transcript NM_001077620.3 (MANE Select); 3 bases into the intron after coding-DNA position 143, A replaced by G.
Molecular consequence: intron variant.
Genome position (GRCh38, 1-based): chr17:76,540,576, A>G. VCF-style: chr17-76540576-A-G. GRCh37 (hg19) VCF-style: chr17-74536658-A-G.
Identifiers: ClinVar variation 849356 (VCV000849356.9), dbSNP rs1319505764, ClinGen allele CA775196481.